The following is an entry in ClinVar:

ClinVar aggregate classification (germline): Likely benign. Review status: criteria provided, single submitter (1 of 4 stars). 2 submissions from 2 submitters: Likely benign (1). 1 of the submissions does not count toward it. Last evaluated 2025-12-28.

Conditions:
MACF1-related disorder. Also called: MACF1-related condition.

Allele frequency attached by ClinVar (database versions not stated): gnomAD 0.00002; gnomAD exomes 0.00010; TOPMed 0.00015; ExAC 0.00019.
gnomAD v4.1: 62 of 1,613,174 alleles (0.0038%); highest among the groups gnomAD compares: Admixed American, 0.1%; no homozygotes.

Submissions (2):

Labcorp Genetics (formerly Invitae), Labcorp
Classification: Likely benign. Last evaluated: 2025-12-28. Review status: criteria provided, single submitter. Criteria: Invitae Variant Classification Sherloc (09022015). Collection method: clinical testing. Allele origin: germline.

PreventionGenetics, part of Exact Sciences
Classification: Likely benign for MACF1-related condition. Last evaluated: 2023-01-05. Review status: no assertion criteria provided. Collection method: clinical testing. Allele origin: germline. Not counted in ClinVar's aggregate classification.
Comment: This variant is classified as likely benign based on ACMG/AMP sequence variant interpretation guidelines (Richards et al. 2015 PMID: 25741868, with internal and published modifications).

NM_001394062.1(MACF1):c.21678G>A (p.Glu7226=)

Gene: MACF1 (microtubule actin crosslinking factor 1; plus strand). Cytogenetic location: 1p34.3.
Variant type: single nucleotide variant.
Coding change: c.21678G>A on transcript NM_001394062.1 (MANE Select); coding-DNA position 21678, G replaced by A.
Protein change: p.Glu7226=; no amino-acid change (glutamic acid 7226 retained).
Molecular consequence: synonymous variant.
Genome position (GRCh38, 1-based): chr1:39,462,037, G>A. VCF-style: chr1-39462037-G-A. GRCh37 (hg19) VCF-style: chr1-39927709-G-A.
Other names: c.9756G>A, p.Glu3252= (NM_001397473.1); c.15501G>A, p.Glu5167= (NM_012090.5).
Identifiers: ClinVar variation 2064300 (VCV002064300.6), dbSNP rs774973543, ClinGen allele CA784705.